The following is an entry in ClinVar:

ClinVar aggregate classification (germline): Conflicting classifications of pathogenicity. Review status: criteria provided, conflicting classifications (1 of 4 stars). 6 submissions from 6 submitters: Uncertain significance (4); Likely benign (2). Last evaluated 2026-02-09.

Conditions:
TTN-related disorder. Also called: TTN-related condition; TTN-related disease; TTN-related disorders.
Autosomal recessive limb-girdle muscular dystrophy type 2J (LGMDR10). Also called: Limb-girdle muscular dystrophy, type 2J; MUSCULAR DYSTROPHY, LIMB-GIRDLE, AUTOSOMAL RECESSIVE 10. Identifiers: Orphanet 140922, MedGen C1837342, MONDO:0012127, OMIM 608807.
Dilated cardiomyopathy 1G (CMD1G). Identifiers: Orphanet 154, MedGen C1858763, MONDO:0011400, OMIM 604145.

Allele frequency attached by ClinVar (database versions not stated): ExAC 0.00002; TOPMed 0.00008; gnomAD exomes 0.00002; gnomAD 0.00007 and 0.00008.
gnomAD v4.1: 22 of 1,613,680 alleles (0.0014%); highest among the groups gnomAD compares: African/African-American, 0.027%; no homozygotes.

Submissions (6):

PreventionGenetics, part of Exact Sciences
Classification: Uncertain significance for TTN-related condition. Last evaluated: 2026-02-09. Review status: criteria provided, single submitter. Criteria: ACMG Guidelines, 2015. Collection method: clinical testing. Allele origin: germline.
Comment: The TTN c.88246G>T variant is predicted to result in the amino acid substitution p.Val29416Phe. To our knowledge, this variant has not been reported in the literature. This variant is reported in 0.025% of alleles in individuals of African descent in gnomAD. At this time, the clinical significance of this variant is uncertain due to the absence of conclusive functional and genetic evidence.

Women's Health and Genetics/Laboratory Corporation of America, LabCorp
Classification: Uncertain significance. Last evaluated: 2025-09-15. Review status: criteria provided, single submitter. Criteria: LabCorp Variant Classification Summary - May 2015. Collection method: clinical testing. Allele origin: germline.

Molecular Diagnostic Laboratory for Inherited Cardiovascular Disease, Montreal Heart Institute
Classification: Likely benign. Last evaluated: 2025-04-09. Review status: criteria provided, single submitter. Criteria: ACMG Guidelines, 2015. Collection method: clinical testing. Allele origin: germline. Affected: no.

GeneDx
Classification: Likely benign. Last evaluated: 2018-02-01. Review status: criteria provided, single submitter. Criteria: GeneDx Variant Classification (06012015). Collection method: clinical testing. Allele origin: germline. Affected: yes.
Comment: This variant is considered likely benign or benign based on one or more of the following criteria: it is a conservative change, it occurs at a poorly conserved position in the protein, it is predicted to be benign by multiple in silico algorithms, and/or has population frequency not consistent with disease.

Labcorp Genetics (formerly Invitae), Labcorp
Classification: Uncertain significance for Dilated cardiomyopathy 1G; Autosomal recessive limb-girdle muscular dystrophy type 2J. Last evaluated: 2017-10-17. Review status: criteria provided, single submitter. Criteria: Invitae Variant Classification Sherloc (09022015). Collection method: clinical testing. Allele origin: germline.

Athena Diagnostics
Classification: Uncertain significance. Last evaluated: 2016-08-19. Review status: criteria provided, single submitter. Criteria: Athena Diagnostics Criteria. Collection method: clinical testing. Allele origin: germline.

NM_001267550.2(TTN):c.88246G>T (p.Val29416Phe)

Genes: TTN-AS1 (TTN antisense RNA 1; plus strand), TTN (titin; minus strand). Cytogenetic location: 2q31.2.
Variant type: single nucleotide variant.
Coding change: c.88246G>T on transcript NM_001267550.2 (MANE Select); coding-DNA position 88246, G replaced by T.
Protein change: p.Val29416Phe; replaces valine 29416 with phenylalanine.
Molecular consequence: missense variant.
Genome position (GRCh38, 1-based): chr2:178,556,908, C>A on the plus strand (G>T on the coding strand, the complement: TTN is on the minus strand). VCF-style: chr2-178556908-C-A. GRCh37 (hg19) VCF-style: chr2-179421635-C-A.
Other names: c.88246G>T (LRG_391t1); c.83323G>T, p.Val27775Phe (NM_001256850.1); c.61051G>T, p.Val20351Phe (NM_003319.4); c.80542G>T, p.Val26848Phe (NM_133378.4); c.61426G>T, p.Val20476Phe (NM_133432.3); c.61627G>T, p.Val20543Phe (NM_133437.4); short protein forms V29416F, V27775F, V20476F, V20351F, V20543F, V26848F.
Identifiers: ClinVar variation 448828 (VCV000448828.7), dbSNP rs755325663, ClinGen allele CA1988182.